The following is an entry in ClinVar:

NM_001365536.1(SCN9A):c.4503+1G>A

Genes: SCN1A-AS1 (SCN1A and SCN9A antisense RNA 1; plus strand), SCN9A (sodium voltage-gated channel alpha subunit 9; minus strand). Cytogenetic location: 2q24.3.
Variant type: single nucleotide variant.
Coding change: c.4503+1G>A on transcript NM_001365536.1 (MANE Select); the canonical splice donor site of the intron after coding-DNA position 4503, G replaced by A.
Molecular consequence: splice donor variant.
Genome position (GRCh38, 1-based): chr2:166,204,359, C>T on the plus strand (G>A on the coding strand, the complement: SCN9A is on the minus strand). VCF-style: chr2-166204359-C-T. GRCh37 (hg19) VCF-style: chr2-167060869-C-T.
Other names: c.4470+1G>A (NM_002977.4).
Identifiers: ClinVar variation 579681 (VCV000579681.7), dbSNP rs746241591, ClinGen allele CA349058117.

ClinVar aggregate classification (germline): Likely pathogenic (1 of 4 stars; one submission).

Conditions:
Neuropathy, hereditary sensory and autonomic, type 2A (HSAN2A). Also called: ACROOSTEOLYSIS, GIACCAI TYPE; ACROOSTEOLYSIS, NEUROGENIC; MORVAN DISEASE; NEUROPATHY, CONGENITAL SENSORY; NEUROPATHY, HEREDITARY SENSORY RADICULAR, AUTOSOMAL RECESSIVE; NEUROPATHY, HEREDITARY SENSORY, TYPE IIA. Identifiers: Orphanet 970, MedGen C2752089, MONDO:0024309, OMIM 201300.
Generalized epilepsy with febrile seizures plus, type 7 (GEFSP7). Also called: GEFS+, TYPE 7. Identifiers: Orphanet 36387, MedGen C2751778, MONDO:0013470, OMIM 613863.

gnomAD v4.1: 2 of 1,601,180 alleles (0.00012%); highest among the groups gnomAD compares: Non-Finnish European, 0.00017%; no homozygotes.

Submission:

Labcorp Genetics (formerly Invitae), Labcorp
Classification: Likely pathogenic for Neuropathy, hereditary sensory and autonomic, type 2A; Generalized epilepsy with febrile seizures plus, type 7. Last evaluated: 2018-04-23. Review status: criteria provided, single submitter. Criteria: Invitae Variant Classification Sherloc (09022015). Collection method: clinical testing. Allele origin: germline.
Comment: In summary, the currently available evidence indicates that the variant is pathogenic, but additional data are needed to prove that conclusively. Therefore, this variant has been classified as Likely Pathogenic. Donor and acceptor splice site variants typically lead to a loss of protein function (PMID: 16199547), and loss-of-function variants in SCN9A are known to be pathogenic (PMID: 17470132, 19304393). This variant has not been reported in the literature in individuals with SCN9A-related disease. This variant is not present in population databases (ExAC no frequency). This sequence change affects a donor splice site in intron 25 of the SCN9A gene. It is expected to disrupt RNA splicing and likely results in an absent or disrupted protein product.

Literature cited by the submitters: PubMed 16199547; PubMed 17470132; PubMed 19304393.